The following is an entry in ClinVar:

ClinVar aggregate classification (germline): Uncertain significance (1 of 4 stars; one submission).

Conditions:
Hereditary cancer-predisposing syndrome. Also called: Hereditary Cancer Syndrome; Neoplastic Syndromes, Hereditary; Tumor predisposition; Hereditary neoplastic syndrome. Identifiers: Orphanet 140162, MedGen C0027672, MeSH D009386, MONDO:0015356.

Submission:

Color Diagnostics, LLC DBA Color Health
Classification: Uncertain significance for Hereditary cancer-predisposing syndrome. Last evaluated: 2023-12-05. Review status: criteria provided, single submitter. Criteria: ACMG Guidelines, 2015. Collection method: clinical testing. Allele origin: germline.
Comment: This missense variant replaces alanine with glutamic acid at codon 273 of the RAD51C protein. Computational prediction suggests that this variant may not impact protein structure and function (internally defined REVEL score threshold <= 0.5, PMID: 27666373). To our knowledge, functional studies have not been reported for this variant. This variant has not been reported in individuals affected with RAD51C-related disorders in the literature. This variant has not been identified in the general population by the Genome Aggregation Database (gnomAD). The available evidence is insufficient to determine the role of this variant in disease conclusively. Therefore, this variant is classified as a Variant of Uncertain Significance.

NM_058216.3(RAD51C):c.818C>A (p.Ala273Glu)

Gene: RAD51C (RAD51 paralog C; plus strand). Cytogenetic location: 17q22.
Variant type: single nucleotide variant.
Coding change: c.818C>A on transcript NM_058216.3 (MANE Select); coding-DNA position 818, C replaced by A.
Protein change: p.Ala273Glu; replaces alanine 273 with glutamic acid.
Molecular consequence: missense variant. On other transcripts: non-coding transcript variant (1).
Genome position (GRCh38, 1-based): chr17:58,709,971, C>A. VCF-style: chr17-58709971-C-A. GRCh37 (hg19) VCF-style: chr17-56787332-C-A.
Other names: short protein forms A273E.
Identifiers: ClinVar variation 490130 (VCV000490130.6), dbSNP rs1555599262, ClinGen allele CA400354324.